The following is an entry in ClinVar:

ClinVar aggregate classification (germline): Likely benign (0 of 4 stars; one submission).

Conditions:
SEMA3G-related disorder. Also called: SEMA3G-related condition.

Submission:

PreventionGenetics, part of Exact Sciences
Classification: Likely benign for SEMA3G-related condition. Last evaluated: 2022-11-29. Review status: no assertion criteria provided. Collection method: clinical testing. Allele origin: germline.
Comment: This variant is classified as likely benign based on ACMG/AMP sequence variant interpretation guidelines (Richards et al. 2015 PMID: 25741868, with internal and published modifications).

NM_020163.3(SEMA3G):c.1509+3A>G

Gene: SEMA3G (semaphorin 3G; minus strand). Cytogenetic location: 3p21.1.
Variant type: single nucleotide variant.
Coding change: c.1509+3A>G on transcript NM_020163.3 (MANE Select); 3 bases into the intron after coding-DNA position 1509, A replaced by G.
Molecular consequence: intron variant.
Genome position (GRCh38, 1-based): chr3:52,438,917, T>C on the plus strand (A>G on the coding strand, the complement: SEMA3G is on the minus strand). VCF-style: chr3-52438917-T-C. GRCh37 (hg19) VCF-style: chr3-52472933-T-C.
Identifiers: ClinVar variation 3354200 (VCV003354200.1).
Genomic context (GRCh38, chr3:52,438,917, plus strand): 5'-AGGAGGAGGCTGCGGAGCAGGGGCAGAAGGGGGGTCCAAGAGGAGGGTGGCAGCTGTTCT[T>C]ACCCTTTTGACAGAGATCTCCATTTCGGTGATAGGTGTTGGCACCTGGGGAAGGAGAAGG-3'